The following is an entry in ClinVar:

ClinVar aggregate classification (germline): Uncertain significance (1 of 4 stars; one submission).

Submission:

Labcorp Genetics (formerly Invitae), Labcorp
Classification: Uncertain significance. Last evaluated: 2021-08-13. Review status: criteria provided, single submitter. Criteria: Invitae Variant Classification Sherloc (09022015). Collection method: clinical testing. Allele origin: germline.
Comment: In summary, the available evidence is currently insufficient to determine the role of this variant in disease. Therefore, it has been classified as a Variant of Uncertain Significance. Algorithms developed to predict the effect of missense changes on protein structure and function (SIFT, PolyPhen-2, Align-GVGD) all suggest that this variant is likely to be tolerated, but these predictions have not been confirmed by published functional studies and their clinical significance is uncertain. This variant has not been reported in the literature in individuals with POLE-related conditions. This variant is not present in population databases (ExAC no frequency). This sequence change replaces leucine with valine at codon 2271 of the POLE protein (p.Leu2271Val). The leucine residue is weakly conserved and there is a small physicochemical difference between leucine and valine.

NM_006231.4(POLE):c.6811C>G (p.Leu2271Val)

Gene: POLE (DNA polymerase epsilon, catalytic subunit; minus strand). Cytogenetic location: 12q24.33.
Variant type: single nucleotide variant.
Coding change: c.6811C>G on transcript NM_006231.4 (MANE Select); coding-DNA position 6811, C replaced by G.
Protein change: p.Leu2271Val; replaces leucine 2271 with valine.
Molecular consequence: missense variant.
Genome position (GRCh38, 1-based): chr12:132,624,747, G>C on the plus strand (C>G on the coding strand, the complement: POLE is on the minus strand). VCF-style: chr12-132624747-G-C. GRCh37 (hg19) VCF-style: chr12-133201333-G-C.
Other names: short protein forms L2271V.
Identifiers: ClinVar variation 844817 (VCV000844817.9), dbSNP rs2041794515, ClinGen allele CA387365707.
Genomic context (GRCh38, chr12:132,624,747, plus strand): 5'-CCGGGGCTGGCTAATGGCCCAGCTGTGGGTTCTTCTGCAGCAGCCACTCCAGGGTCTCCA[G>C]GAGGTACGACATGCCGTAGTGCTGGGCAATGTTCCGGAATATTCCGATCTGTTCCATGAA-3'
Protein context (NP_006222.2, residues 2261-2281): IAQHYGMSYL[Leu2271Val]ETLEWLLQKN